The following is an entry in ClinVar:

NM_015693.4(INTU):c.1600G>A (p.Asp534Asn)

Gene: INTU (inturned planar cell polarity protein; plus strand). Cytogenetic location: 4q28.1.
Variant type: single nucleotide variant.
Coding change: c.1600G>A on transcript NM_015693.4 (MANE Select); coding-DNA position 1600, G replaced by A.
Protein change: p.Asp534Asn; replaces aspartic acid 534 with asparagine.
Molecular consequence: missense variant.
Genome position (GRCh38, 1-based): chr4:127,705,624, G>A. VCF-style: chr4-127705624-G-A. GRCh37 (hg19) VCF-style: chr4-128626779-G-A.
Other names: short protein forms D534N.
Identifiers: ClinVar variation 2999517 (VCV002999517.3), dbSNP rs745760590, ClinGen allele CA3075146.

ClinVar aggregate classification (germline): Uncertain significance (1 of 4 stars; one submission).

Allele frequency attached by ClinVar (database versions not stated): gnomAD exomes below 0.00001; TOPMed below 0.00001; ExAC 0.00001.
gnomAD v4.1: 9 of 1,613,880 alleles (0.00056%); highest among the groups gnomAD compares: South Asian, 0.0044%; no homozygotes.

Submission:

Labcorp Genetics (formerly Invitae), Labcorp
Classification: Uncertain significance. Last evaluated: 2023-05-09. Review status: criteria provided, single submitter. Criteria: Invitae Variant Classification Sherloc (09022015). Collection method: clinical testing. Allele origin: germline.
Comment: This variant is present in population databases (rs745760590, gnomAD 0.003%). This sequence change replaces aspartic acid, which is acidic and polar, with asparagine, which is neutral and polar, at codon 534 of the INTU protein (p.Asp534Asn). In summary, the available evidence is currently insufficient to determine the role of this variant in disease. Therefore, it has been classified as a Variant of Uncertain Significance. Algorithms developed to predict the effect of sequence changes on RNA splicing suggest that this variant may disrupt the consensus splice site. Advanced modeling of protein sequence and biophysical properties (such as structural, functional, and spatial information, amino acid conservation, physicochemical variation, residue mobility, and thermodynamic stability) performed at Invitae indicates that this missense variant is not expected to disrupt INTU protein function. This variant has not been reported in the literature in individuals affected with INTU-related conditions.